The following is an entry in ClinVar:

NM_017934.7(PHIP):c.61C>A (p.Arg21=)

Gene: PHIP (PHIP subunit of CUL4-Ring ligase complex; minus strand). Cytogenetic location: 6q14.1.
Variant type: single nucleotide variant.
Coding change: c.61C>A on transcript NM_017934.7 (MANE Select); coding-DNA position 61, C replaced by A.
Protein change: p.Arg21=; no amino-acid change (arginine 21 retained).
Molecular consequence: synonymous variant.
Genome position (GRCh38, 1-based): chr6:79,077,893, G>T on the plus strand (C>A on the coding strand, the complement: PHIP is on the minus strand). VCF-style: chr6-79077893-G-T. GRCh37 (hg19) VCF-style: chr6-79787610-G-T.
Identifiers: ClinVar variation 3348245 (VCV003348245.1).

ClinVar aggregate classification (germline): Uncertain significance (0 of 4 stars; one submission).

Conditions:
PHIP-related disorder. Also called: PHIP-related condition; PHIP-related disorders.

gnomAD v4.1: 2 of 1,590,268 alleles (0.00013%); highest among the groups gnomAD compares: South Asian, 0.0023%; no homozygotes.

Submission:

PreventionGenetics, part of Exact Sciences
Classification: Uncertain significance for PHIP-related condition. Last evaluated: 2023-12-18. Review status: no assertion criteria provided. Collection method: clinical testing. Allele origin: germline.
Comment: The PHIP c.61C>A variant is not predicted to result in an amino acid change (p.=). To our knowledge, this variant has not been reported in the literature. This variant is reported in 0.0036% of alleles in individuals of South Asian descent in gnomAD. This variant is predicted to create a cryptic splice acceptor site (SpliceAI, Jaganathan et al. 2019. PubMed ID: 30661751), although in silico predictions are not equivalent to functional evidence, and therefore the clinical significance of this variant is uncertain.